The following is an entry in ClinVar:

ClinVar aggregate classification (germline): Uncertain significance (1 of 4 stars; one submission).

Submission:

Labcorp Genetics (formerly Invitae), Labcorp
Classification: Uncertain significance. Last evaluated: 2025-05-22. Review status: criteria provided, single submitter. Criteria: Invitae Variant Classification Sherloc (09022015). Collection method: clinical testing. Allele origin: germline.
Comment: This sequence change replaces alanine, which is neutral and non-polar, with threonine, which is neutral and polar, at codon 361 of the NIN protein (p.Ala361Thr). This variant is present in population databases (rs781084058, gnomAD 0.0009%). This variant has not been reported in the literature in individuals affected with NIN-related conditions. An algorithm developed to predict the effect of missense changes on protein structure and function (PolyPhen-2) suggests that this variant is likely to be disruptive. In summary, the available evidence is currently insufficient to determine the role of this variant in disease. Therefore, it has been classified as a Variant of Uncertain Significance.

NM_020921.4(NIN):c.1081G>A (p.Ala361Thr)

Gene: NIN (ninein; minus strand). Cytogenetic location: 14q22.1.
Variant type: single nucleotide variant.
Coding change: c.1081G>A on transcript NM_020921.4 (MANE Select); coding-DNA position 1081, G replaced by A.
Protein change: p.Ala361Thr; replaces alanine 361 with threonine.
Molecular consequence: missense variant.
Genome position (GRCh38, 1-based): chr14:50,771,369, C>T on the plus strand (G>A on the coding strand, the complement: NIN is on the minus strand). VCF-style: chr14-50771369-C-T. GRCh37 (hg19) VCF-style: chr14-51238087-C-T.
Other names: c.1081G>A, p.Ala361Thr (NM_016350.5, NM_182944.3, NM_182946.2); short protein forms A361T.
Identifiers: ClinVar variation 4761976 (VCV004761976.1).